The following is an entry in ClinVar:

ClinVar aggregate classification (germline): Likely benign (1 of 4 stars; one submission).

Submission:

CeGaT Center for Human Genetics Tuebingen
Classification: Likely benign. Last evaluated: 2025-02-01. Review status: criteria provided, single submitter. Criteria: CeGaT Center For Human Genetics Tuebingen Variant Classification Criteria Version 2. Collection method: clinical testing. Allele origin: germline. Affected: yes. Observed: 1 variant allele.
Comment: KRTAP10-4: BP4, BP7

NM_198687.2(KRTAP10-4):c.687C>T (p.Cys229=)

Genes: KRTAP10-4 (keratin associated protein 10-4; plus strand), TSPEAR (thrombospondin type laminin G domain and EAR repeats; minus strand). Cytogenetic location: 21q22.3.
Variant type: single nucleotide variant.
Coding change: c.687C>T on transcript NM_198687.2 (MANE Select); coding-DNA position 687, C replaced by T.
Protein change: p.Cys229=; no amino-acid change (cysteine 229 retained).
Molecular consequence: synonymous variant. On other transcripts: intron variant (2).
Genome position (GRCh38, 1-based): chr21:44,574,445, C>T. VCF-style: chr21-44574445-C-T. GRCh37 (hg19) VCF-style: chr21-45994322-C-T.
Other names: c.83-6440G>A (NM_144991.3); c.-122-6440G>A (NM_001272037.2).
Identifiers: ClinVar variation 3771457 (VCV003771457.13).